The following is an entry in ClinVar:

NM_000388.4(CASR):c.1207A>G (p.Ser403Gly)

Gene: CASR (calcium sensing receptor; plus strand). Cytogenetic location: 3q21.1.
Variant type: single nucleotide variant.
Coding change: c.1207A>G on transcript NM_000388.4 (MANE Select); coding-DNA position 1207, A replaced by G.
Protein change: p.Ser403Gly; replaces serine 403 with glycine.
Molecular consequence: missense variant.
Genome position (GRCh38, 1-based): chr3:122,262,242, A>G. VCF-style: chr3-122262242-A-G. GRCh37 (hg19) VCF-style: chr3-121981089-A-G.
Other names: c.1207A>G, p.Ser403Gly (NM_001178065.2); short protein forms S403G.
Identifiers: ClinVar variation 1749036 (VCV001749036.2), dbSNP rs779219555, ClinGen allele CA354152819.

ClinVar aggregate classification (germline): Uncertain significance (1 of 4 stars; one submission).

Conditions:
Nephrolithiasis/nephrocalcinosis. Identifiers: MedGen CN580796.

Submission:

Ambry Genetics
Classification: Uncertain significance for Nephrolithiasis/nephrocalcinosis. Last evaluated: 2021-10-06. Review status: criteria provided, single submitter. Criteria: Ambry Variant Classification Scheme 2023. Collection method: clinical testing. Allele origin: germline.
Comment: The p.S403G variant (also known as c.1207A>G), located in coding exon 3 of the CASR gene, results from an A to G substitution at nucleotide position 1207. The serine at codon 403 is replaced by glycine, an amino acid with similar properties. This amino acid position is conserved. In addition, the in silico prediction for this alteration is inconclusive. Since supporting evidence is limited at this time, the clinical significance of this alteration remains unclear.